The following is an entry in ClinVar:

NM_001130009.3(GEN1):c.766A>G (p.Lys256Glu)

Gene: GEN1 (GEN1 structure-specific endonuclease; plus strand). Cytogenetic location: 2p24.2.
Variant type: single nucleotide variant.
Coding change: c.766A>G on transcript NM_001130009.3 (MANE Select); coding-DNA position 766, A replaced by G.
Protein change: p.Lys256Glu; replaces lysine 256 with glutamic acid.
Molecular consequence: missense variant.
Genome position (GRCh38, 1-based): chr2:17,771,251, A>G. VCF-style: chr2-17771251-A-G. GRCh37 (hg19) VCF-style: chr2-17952518-A-G.
Other names: c.766A>G, p.Lys256Glu (NM_182625.5); c.766A>G (NM_001130009.1); short protein forms K256E.
Identifiers: ClinVar variation 1436775 (VCV001436775.8), dbSNP rs767358462, ClinGen allele CA1540550.

ClinVar aggregate classification (germline): Uncertain significance. Review status: criteria provided, multiple submitters, no conflicts (2 of 4 stars). 2 submissions from 2 submitters: Uncertain significance (2). Last evaluated 2025-08-28.

Allele frequency attached by ClinVar (database versions not stated): gnomAD 0.00002 and 0.00003; ExAC 0.00002; gnomAD exomes 0.00004.
gnomAD v4.1: 60 of 1,610,900 alleles (0.0037%); highest among the groups gnomAD compares: Middle Eastern, 0.017%; no homozygotes.

Submissions (2):

Ambry Genetics
Classification: Uncertain significance. Last evaluated: 2025-08-28. Review status: criteria provided, single submitter. Criteria: Ambry Variant Classification Scheme 2023. Collection method: clinical testing. Allele origin: germline.

Labcorp Genetics (formerly Invitae), Labcorp
Classification: Uncertain significance. Last evaluated: 2024-07-24. Review status: criteria provided, single submitter. Criteria: Invitae Variant Classification Sherloc (09022015). Collection method: clinical testing. Allele origin: germline.
Comment: This sequence change replaces lysine, which is basic and polar, with glutamic acid, which is acidic and polar, at codon 256 of the GEN1 protein (p.Lys256Glu). This variant is present in population databases (rs767358462, gnomAD 0.006%). This variant has not been reported in the literature in individuals affected with GEN1-related conditions. ClinVar contains an entry for this variant (Variation ID: 1436775). An algorithm developed to predict the effect of missense changes on protein structure and function (PolyPhen-2) suggests that this variant is likely to be tolerated. In summary, the available evidence is currently insufficient to determine the role of this variant in disease. Therefore, it has been classified as a Variant of Uncertain Significance.